The following is an entry in ClinVar:

ClinVar aggregate classification (germline): Uncertain significance (1 of 4 stars; one submission).

Allele frequency attached by ClinVar (database versions not stated): gnomAD 0.00001; ExAC 0.00002; gnomAD exomes 0.00002.
gnomAD v4.1: 29 of 1,614,014 alleles (0.0018%); highest among the groups gnomAD compares: South Asian, 0.031%; no homozygotes.

Submission:

Labcorp Genetics (formerly Invitae), Labcorp
Classification: Uncertain significance. Last evaluated: 2022-11-28. Review status: criteria provided, single submitter. Criteria: Invitae Variant Classification Sherloc (09022015). Collection method: clinical testing. Allele origin: germline.
Comment: This variant is present in population databases (rs772100888, gnomAD 0.02%). This variant has not been reported in the literature in individuals affected with COL10A1-related conditions. Advanced modeling of protein sequence and biophysical properties (such as structural, functional, and spatial information, amino acid conservation, physicochemical variation, residue mobility, and thermodynamic stability) performed at Invitae indicates that this missense variant is not expected to disrupt COL10A1 protein function. In summary, the available evidence is currently insufficient to determine the role of this variant in disease. Therefore, it has been classified as a Variant of Uncertain Significance. This sequence change replaces proline, which is neutral and non-polar, with serine, which is neutral and polar, at codon 199 of the COL10A1 protein (p.Pro199Ser).

NM_000493.4(COL10A1):c.595C>T (p.Pro199Ser)

Genes: COL10A1 (collagen type X alpha 1 chain; minus strand), NT5DC1 (5'-nucleotidase domain containing 1; plus strand). Cytogenetic location: 6q22.1.
Variant type: single nucleotide variant.
Coding change: c.595C>T on transcript NM_000493.4 (MANE Select); coding-DNA position 595, C replaced by T.
Protein change: p.Pro199Ser; replaces proline 199 with serine.
Molecular consequence: missense variant. On other transcripts: intron variant (1).
Genome position (GRCh38, 1-based): chr6:116,121,521, G>A on the plus strand (C>T on the coding strand, the complement: COL10A1 is on the minus strand). VCF-style: chr6-116121521-G-A. GRCh37 (hg19) VCF-style: chr6-116442684-G-A.
Other names: c.595C>T, p.Pro199Ser (NM_001424106.1, NM_001424107.1); c.529+3576G>A (NM_152729.3); short protein forms P199S.
Identifiers: ClinVar variation 2998957 (VCV002998957.3), dbSNP rs772100888, ClinGen allele CA3968367.